The following is an entry in ClinVar:

NM_002386.4(MC1R):c.105C>G (p.Cys35Trp)

Gene: MC1R (melanocortin 1 receptor; plus strand). Cytogenetic location: 16q24.3.
Variant type: single nucleotide variant.
Coding change: c.105C>G on transcript NM_002386.4 (MANE Select); coding-DNA position 105, C replaced by G.
Protein change: p.Cys35Trp; replaces cysteine 35 with tryptophan.
Molecular consequence: missense variant.
Genome position (GRCh38, 1-based): chr16:89,919,363, C>G. VCF-style: chr16-89919363-C-G. GRCh37 (hg19) VCF-style: chr16-89985771-C-G.
Other names: short protein forms C35W.
Identifiers: ClinVar variation 4052411 (VCV004052411.1).

ClinVar aggregate classification (germline): Uncertain significance (1 of 4 stars; one submission).

Submission:

Ambry Genetics
Classification: Uncertain significance. Last evaluated: 2025-04-07. Review status: criteria provided, single submitter. Criteria: Ambry Variant Classification Scheme 2023. Collection method: clinical testing. Allele origin: germline.
Comment: The p.C35W variant (also known as c.105C>G), located in coding exon 1 of the MC1R gene, results from a C to G substitution at nucleotide position 105. The cysteine at codon 35 is replaced by tryptophan, an amino acid with highly dissimilar properties. This amino acid position is conserved. In addition, this alteration is predicted to be deleterious by in silico analysis. Based on the available evidence, the clinical significance of this variant remains unclear.